The following is an entry in ClinVar:

ClinVar aggregate classification (germline): Benign/Likely benign. Review status: criteria provided, multiple submitters, no conflicts (2 of 4 stars). 4 submissions from 4 submitters: Benign (1); Likely benign (3). Last evaluated 2026-07-22.

Conditions:
Hereditary cancer-predisposing syndrome. Also called: Neoplastic Syndromes, Hereditary; Hereditary Cancer Syndrome; Tumor predisposition; Hereditary neoplastic syndrome. Identifiers: Orphanet 140162, MedGen C0027672, MeSH D009386, MONDO:0015356.
Familial adenomatous polyposis 1 (FAP1). Also called: FAMILIAL ADENOMATOUS POLYPOSIS 1, ATTENUATED; POLYPOSIS, ADENOMATOUS INTESTINAL. Identifiers: MedGen C2713442, MONDO:0021056, OMIM 175100. Disease mechanism: loss of function.

Submissions (4):

Ambry Genetics
Classification: Likely benign for Hereditary cancer-predisposing syndrome. Last evaluated: 2026-07-22. Review status: criteria provided, single submitter. Criteria: Ambry Variant Classification Scheme 2023. Collection method: clinical testing. Allele origin: germline.

Myriad Genetics, Inc.
Classification: Benign for Familial adenomatous polyposis 1. Last evaluated: 2024-03-26. Review status: criteria provided, single submitter. Criteria: Myriad Autosomal Dominant, Autosomal Recessive and X-Linked Classification Criteria (2023). Collection method: clinical testing. Allele origin: unknown.
Comment: This variant is considered benign. This variant is a silent/synonymous amino acid change and it is not expected to impact splicing.

Labcorp Genetics (formerly Invitae), Labcorp
Classification: Likely benign for Familial adenomatous polyposis 1. Last evaluated: 2023-11-25. Review status: criteria provided, single submitter. Criteria: Invitae Variant Classification Sherloc (09022015). Collection method: clinical testing. Allele origin: germline.

Color Diagnostics, LLC DBA Color Health
Classification: Likely benign for Hereditary cancer-predisposing syndrome. Last evaluated: 2019-09-03. Review status: criteria provided, single submitter. Criteria: ACMG Guidelines, 2015. Collection method: clinical testing. Allele origin: germline.

NM_000038.6(APC):c.4389A>G (p.Arg1463=)

Gene: APC (APC regulator of Wnt signaling pathway; plus strand). Cytogenetic location: 5q22.2.
Variant type: single nucleotide variant.
Coding change: c.4389A>G on transcript NM_000038.6 (MANE Select); coding-DNA position 4389, A replaced by G.
Protein change: p.Arg1463=; no amino-acid change (arginine 1463 retained).
Molecular consequence: synonymous variant.
Genome position (GRCh38, 1-based): chr5:112,839,983, A>G. VCF-style: chr5-112839983-A-G. GRCh37 (hg19) VCF-style: chr5-112175680-A-G.
Other names: c.4389A>G, p.Arg1463= (NM_001127510.3, NM_001354895.2); c.4335A>G, p.Arg1445= (NM_001127511.3); c.4443A>G, p.Arg1481= (NM_001354896.2); c.4419A>G, p.Arg1473= (NM_001354897.2); c.4314A>G, p.Arg1438= (NM_001354898.2); c.4305A>G, p.Arg1435= (NM_001354899.2); c.4266A>G, p.Arg1422= (NM_001354900.2); c.4212A>G, p.Arg1404= (NM_001354901.2); and 5 more.
Identifiers: ClinVar variation 927901 (VCV000927901.7), dbSNP rs1765670761, ClinGen allele CA445964541.
Genomic context (GRCh38, chr5:112,839,983, plus strand): 5'-TCAAACAGCTCAAACCAAGCGAGAAGTACCTAAAAATAAAGCACCTACTGCTGAAAAGAG[A>G]GAGAGTGGACCTAAGCAAGCTGCAGTAAATGCTGCAGTTCAGAGGGTCCAGGTTCTTCCA-3'
Protein context (NP_000029.2, residues 1453-1473): PKNKAPTAEK[Arg1463=]ESGPKQAAVN